The following is an entry in ClinVar:

ClinVar aggregate classification (germline): Uncertain significance (1 of 4 stars; one submission).

Submission:

Ambry Genetics
Classification: Uncertain significance. Last evaluated: 2025-05-27. Review status: criteria provided, single submitter. Criteria: Ambry Variant Classification Scheme 2023. Collection method: clinical testing. Allele origin: germline.
Comment: The p.Q1011R variant (also known as c.3032A>G), located in coding exon 25 of the A2ML1 gene, results from an A to G substitution at nucleotide position 3032. The glutamine at codon 1011 is replaced by arginine, an amino acid with highly similar properties. This amino acid position is conserved. In addition, this alteration is predicted to be tolerated by in silico analysis. Based on the available evidence, the clinical significance of this variant remains unclear.

NM_144670.6(A2ML1):c.3032A>G (p.Gln1011Arg)

Gene: A2ML1 (alpha-2-macroglobulin like 1; plus strand). Cytogenetic location: 12p13.31.
Variant type: single nucleotide variant.
Coding change: c.3032A>G on transcript NM_144670.6 (MANE Select); coding-DNA position 3032, A replaced by G.
Protein change: p.Gln1011Arg; replaces glutamine 1011 with arginine.
Molecular consequence: missense variant.
Genome position (GRCh38, 1-based): chr12:8,857,513, A>G. VCF-style: chr12-8857513-A-G. GRCh37 (hg19) VCF-style: chr12-9010109-A-G.
Other names: c.1559A>G, p.Gln520Arg (NM_001282424.3); short protein forms Q1011R, Q520R.
Identifiers: ClinVar variation 4055230 (VCV004055230.1).